The following is an entry in ClinVar:

NM_001127222.2(CACNA1A):c.5811G>A (p.Thr1937=)

Gene: CACNA1A (calcium voltage-gated channel subunit alpha1 A; minus strand). Cytogenetic location: 19p13.13.
Variant type: single nucleotide variant.
Coding change: c.5811G>A on transcript NM_001127222.2 (MANE Select); coding-DNA position 5811, G replaced by A.
Protein change: p.Thr1937=; no amino-acid change (threonine 1937 retained).
Molecular consequence: synonymous variant.
Genome position (GRCh38, 1-based): chr19:13,214,529, C>T on the plus strand (G>A on the coding strand, the complement: CACNA1A is on the minus strand). VCF-style: chr19-13214529-C-T. GRCh37 (hg19) VCF-style: chr19-13325343-C-T.
Other names: c.5829G>A, p.Thr1943= (NM_000068.4, NM_023035.3); c.5814G>A, p.Thr1938= (NM_001127221.2); c.5820G>A, p.Thr1940= (NM_001174080.2); c.5814G>A (NM_000068.2).
Identifiers: ClinVar variation 668371 (VCV000668371.13), dbSNP rs747273411, ClinGen allele CA9239583.

ClinVar aggregate classification (germline): Likely benign. Review status: criteria provided, multiple submitters, no conflicts (2 of 4 stars). 3 submissions from 3 submitters: Likely benign (3). Last evaluated 2025-08-29.

Conditions:
Developmental and epileptic encephalopathy, 42 (DEE42A). Also called: Epileptic encephalopathy, early infantile, 42; DEVELOPMENTAL AND EPILEPTIC ENCEPHALOPATHY 42A; EPILEPTIC ENCEPHALOPATHY, EARLY INFANTILE, 42A. Identifiers: MedGen C4310716, MONDO:0014917, OMIM 617106.
Episodic ataxia type 2 (EA2). Also called: ACETAZOLAMIDE-RESPONSIVE HEREDITARY PAROXYSMAL CEREBELLAR ATAXIA; ATAXIA, FAMILIAL PAROXYSMAL; CEREBELLAR ATAXIA, PAROXYSMAL, ACETAZOLAMIDE-RESPONSIVE; CEREBELLOPATHY, HEREDITARY PAROXYSMAL; EPISODIC ATAXIA, NYSTAGMUS-ASSOCIATED; ATAXIA, EPISODIC, WITH NYSTAGMUS. Identifiers: Orphanet 97, MedGen C1720416, MONDO:0007163, OMIM 108500.

Allele frequency attached by ClinVar (database versions not stated): gnomAD 0.00001; gnomAD exomes 0.00002; TOPMed 0.00002; ExAC 0.00003.
gnomAD v4.1: 9 of 1,613,598 alleles (0.00056%); highest among the groups gnomAD compares: Admixed American, 0.0017%; no homozygotes.

Submissions (3):

Labcorp Genetics (formerly Invitae), Labcorp
Classification: Likely benign for Developmental and epileptic encephalopathy, 42; Episodic ataxia type 2. Last evaluated: 2025-08-29. Review status: criteria provided, single submitter. Criteria: Invitae Variant Classification Sherloc (09022015). Collection method: clinical testing. Allele origin: germline.

Athena Diagnostics
Classification: Likely benign. Last evaluated: 2024-06-06. Review status: criteria provided, single submitter. Criteria: Athena Diagnostics Criteria. Collection method: clinical testing. Allele origin: unknown.

GeneDx
Classification: Likely benign. Last evaluated: 2018-05-15. Review status: criteria provided, single submitter. Criteria: GeneDx Variant Classification (06012015). Collection method: clinical testing. Allele origin: germline. Affected: yes.
Comment: This variant is considered likely benign or benign based on one or more of the following criteria: it is a conservative change, it occurs at a poorly conserved position in the protein, it is predicted to be benign by multiple in silico algorithms, and/or has population frequency not consistent with disease.